The following is an entry in ClinVar:

NM_000551.4(VHL):c.*820A>G

Genes: VHL (von Hippel-Lindau tumor suppressor; plus strand), LOC107303340 (3p25 von Hippel-Lindau tumor suppressor, E3 ubiquitin protein ligase Alu-mediated recombination region; plus strand). Cytogenetic location: 3p25.3.
Variant type: single nucleotide variant.
Coding change: c.*820A>G on transcript NM_000551.4 (MANE Select); 820 bases downstream of the stop codon, A replaced by G.
Molecular consequence: 3 prime UTR variant.
Genome position (GRCh38, 1-based): chr3:10,150,785, A>G. VCF-style: chr3-10150785-A-G. GRCh37 (hg19) VCF-style: chr3-10192469-A-G.
Other names: c.*1016A>G (NM_001354723.2); c.*820A>G (NM_198156.3).
Identifiers: ClinVar variation 342420 (VCV000342420.6), dbSNP rs182781943, ClinGen allele CA10616670.
Genomic context (GRCh38, chr3:10,150,785, plus strand): 5'-ATAGCATTTTTGTAACTTGCCATCCGCACAGAAAATACGAGAAAATCTGCATGTTTGATT[A>G]TAGTATTAATGGACAAATAAGTTTTTGCTAAATGTGAGTATTTCTGTTCCTTTTTGTAAA-3'

ClinVar aggregate classification (germline): Benign. Review status: criteria provided, multiple submitters, no conflicts (2 of 4 stars). 2 submissions from 2 submitters: Benign (2). Last evaluated 2018-01-12.

Conditions:
Von Hippel-Lindau syndrome (VHLS). Also called: Von Hippel-Lindau; von Hippel–Lindau syndrome; VHL syndrome. Identifiers: Orphanet 892, MedGen C0019562, MONDO:0008667, OMIM 193300. Disease mechanism: loss of function.

Allele frequency attached by ClinVar (database versions not stated): 1000 Genomes Project 30x 0.00078; 1000 Genomes Project 0.00080; TOPMed 0.00153; gnomAD 0.00160 and 0.00168; gnomAD exomes 0.00209.

Submissions (2):

Illumina Laboratory Services, Illumina
Classification: Benign for Von Hippel-Lindau syndrome. Last evaluated: 2018-01-12. Review status: criteria provided, single submitter. Criteria: ICSL Variant Classification Criteria 13 December 2019. Collection method: clinical testing. Allele origin: germline.
Comment: This variant was observed in the ICSL laboratory as part of a predisposition screen in an ostensibly healthy population. It had not been previously curated by ICSL or reported in the Human Gene Mutation Database (HGMD: prior to June 1st, 2018), and was therefore a candidate for classification through an automated scoring system. Utilizing variant allele frequency, disease prevalence and penetrance estimates, and inheritance mode, an automated score was calculated to assess if this variant is too frequent to cause the disease. Based on the score and internal cut-off values, a variant classified as benign is not then subjected to further curation. The score for this variant resulted in a classification of benign for this disease.

Breakthrough Genomics
Classification: Benign. Review status: criteria provided, single submitter. Criteria: ACMG Guidelines, 2015. Collection method: not provided. Allele origin: germline. Inheritance: Autosomal recessive inheritance. Affected: yes.